The following is an entry in ClinVar:

NM_021961.6(TEAD1):c.77C>A (p.Pro26Gln)

Gene: TEAD1 (TEA domain transcription factor 1; plus strand). Cytogenetic location: 11p15.3.
Variant type: single nucleotide variant.
Coding change: c.77C>A on transcript NM_021961.6 (MANE Select); coding-DNA position 77, C replaced by A.
Protein change: p.Pro26Gln; replaces proline 26 with glutamine.
Molecular consequence: missense variant.
Genome position (GRCh38, 1-based): chr11:12,764,309, C>A. VCF-style: chr11-12764309-C-A. GRCh37 (hg19) VCF-style: chr11-12785856-C-A.
Other names: c.77C>A (NM_021961.5); short protein forms P26Q.
Identifiers: ClinVar variation 1036850 (VCV001036850.10), dbSNP rs756716749, ClinGen allele CA5891469.

ClinVar aggregate classification (germline): Conflicting classifications of pathogenicity. Review status: criteria provided, conflicting classifications (1 of 4 stars). 3 submissions from 3 submitters: Uncertain significance (2); Likely benign (1). Last evaluated 2025-09-10.

Conditions:
Inborn genetic diseases. Identifiers: MedGen C0950123, MeSH D030342.
TEAD1-related disorder. Also called: TEAD1-related condition.

Allele frequency attached by ClinVar (database versions not stated): gnomAD exomes 0.00001 and 0.00005; gnomAD 0.00002; ExAC 0.00006; TOPMed 0.00006.
gnomAD v4.1: 23 of 1,614,032 alleles (0.0014%); highest among the groups gnomAD compares: East Asian, 0.049%; no homozygotes.

Submissions (3):

Labcorp Genetics (formerly Invitae), Labcorp
Classification: Uncertain significance. Last evaluated: 2025-09-10. Review status: criteria provided, single submitter. Criteria: Invitae Variant Classification Sherloc (09022015). Collection method: clinical testing. Allele origin: germline.
Comment: This sequence change replaces proline, which is neutral and non-polar, with glutamine, which is neutral and polar, at codon 26 of the TEAD1 protein (p.Pro26Gln). This variant is present in population databases (rs756716749, gnomAD 0.07%). This variant has not been reported in the literature in individuals affected with TEAD1-related conditions. ClinVar contains an entry for this variant (Variation ID: 1036850). An algorithm developed to predict the effect of missense changes on protein structure and function (PolyPhen-2) suggests that this variant is likely to be tolerated. In summary, the available evidence is currently insufficient to determine the role of this variant in disease. Therefore, it has been classified as a Variant of Uncertain Significance.

PreventionGenetics, part of Exact Sciences
Classification: Likely benign for TEAD1-related condition. Last evaluated: 2025-01-27. Review status: criteria provided, single submitter. Criteria: ACMG Guidelines, 2015. Collection method: clinical testing. Allele origin: germline.
Comment: This variant is classified as likely benign based on ACMG/AMP sequence variant interpretation guidelines (Richards et al. 2015 PMID: 25741868, with internal and published modifications).

Ambry Genetics
Classification: Uncertain significance for Inborn genetic diseases. Last evaluated: 2021-10-12. Review status: criteria provided, single submitter. Criteria: Ambry Variant Classification Scheme 2023. Collection method: clinical testing. Allele origin: germline.